The following is an entry in ClinVar:

NM_001267550.2(TTN):c.7174G>A (p.Gly2392Ser)

Genes: TTN (titin; minus strand), LOC126806433 (BRD4-independent group 4 enhancer GRCh37_chr2:179638309-179639508; plus strand). Cytogenetic location: 2q31.2.
Variant type: single nucleotide variant.
Coding change: c.7174G>A on transcript NM_001267550.2 (MANE Select); coding-DNA position 7174, G replaced by A.
Protein change: p.Gly2392Ser; replaces glycine 2392 with serine.
Molecular consequence: missense variant.
Genome position (GRCh38, 1-based): chr2:178,773,994, C>T on the plus strand (G>A on the coding strand, the complement: TTN is on the minus strand). VCF-style: chr2-178773994-C-T. GRCh37 (hg19) VCF-style: chr2-179638721-C-T.
Other names: p.G2392S:GGC>AGC; c.7036G>A, p.Gly2346Ser (NM_003319.4, NM_133432.3, NM_133437.4); c.7174G>A, p.Gly2392Ser (NM_133379.5, NM_001256850.1, NM_133378.4); short protein forms G2392S, G2346S.
Identifiers: ClinVar variation 47377 (VCV000047377.35), dbSNP rs4894048, ClinGen allele CA283833.

ClinVar aggregate classification (germline): Benign/Likely benign. Review status: criteria provided, multiple submitters, no conflicts (2 of 4 stars). 23 submissions from 16 submitters: Benign (19); Likely benign (2). 2 of the submissions do not count toward it. Last evaluated 2026-02-04.

Conditions:
Cardiovascular phenotype. Identifiers: MedGen CN230736.
Dilated cardiomyopathy 1G (CMD1G). Identifiers: Orphanet 154, MedGen C1858763, MONDO:0011400, OMIM 604145.
Autosomal recessive limb-girdle muscular dystrophy type 2J (LGMDR10). Also called: Limb-girdle muscular dystrophy, type 2J; MUSCULAR DYSTROPHY, LIMB-GIRDLE, AUTOSOMAL RECESSIVE 10. Identifiers: Orphanet 140922, MedGen C1837342, MONDO:0012127, OMIM 608807.
Early-onset myopathy with fatal cardiomyopathy (CMYO5). Also called: CONGENITAL MYOPATHY 5 WITH CARDIOMYOPATHY; Salih Myopathy. Identifiers: Orphanet 289377, MedGen C2673677, MONDO:0012714, OMIM 611705. Disease mechanism: loss of function.
Myopathy, myofibrillar, 9, with early respiratory failure (MFM9). Also called: MYOPATHY, PROXIMAL, WITH EARLY RESPIRATORY MUSCLE INVOLVEMENT; Myopathy, distal, with early respiratory failure, autosomal dominant; Hereditary myopathy with early respiratory failure; EDSTROM MYOPATHY. Identifiers: Orphanet 178464, Orphanet 34521, MedGen C1863599, MONDO:0011362, OMIM 603689.
Tibial muscular dystrophy (TMD). Also called: Tibial muscular dystrophy, tardive; UDD MYOPATHY; Udd Distal Myopathy – Tibial Muscular Dystrophy. Identifiers: Orphanet 609, MedGen C1838244, MONDO:0010870, OMIM 600334.

Allele frequency attached by ClinVar (database versions not stated): gnomAD exomes 0.03833 and 0.07002; ESP Exome Variant Server 0.04682; gnomAD 0.05739 and 0.06024; TOPMed 0.06413; ExAC 0.06532; 1000 Genomes Project 30x 0.08604; 1000 Genomes Project 0.08746.
gnomAD v4.1: 65,417 of 1,613,948 alleles (4.1%); highest among the groups gnomAD compares: Admixed American, 17%; 2,940 homozygotes.

Submissions (23):

Labcorp Genetics (formerly Invitae), Labcorp
Classification: Benign for Dilated cardiomyopathy 1G; Autosomal recessive limb-girdle muscular dystrophy type 2J. Last evaluated: 2026-02-04. Review status: criteria provided, single submitter. Criteria: Invitae Variant Classification Sherloc (09022015). Collection method: clinical testing. Allele origin: germline.

Molecular Diagnostic Laboratory for Inherited Cardiovascular Disease, Montreal Heart Institute
Classification: Benign. Last evaluated: 2025-04-09. Review status: criteria provided, single submitter. Criteria: ACMG Guidelines, 2015. Collection method: clinical testing. Allele origin: germline. Affected: no.

Genome-Nilou Lab
Classification: Benign for Autosomal recessive limb-girdle muscular dystrophy type 2J. Last evaluated: 2021-09-10. Review status: criteria provided, single submitter. Criteria: ACMG Guidelines, 2015. Collection method: clinical testing. Allele origin: germline. Affected: no.

Genome-Nilou Lab
Classification: Benign for Myopathy, myofibrillar, 9, with early respiratory failure. Last evaluated: 2021-09-10. Review status: criteria provided, single submitter. Criteria: ACMG Guidelines, 2015. Collection method: clinical testing. Allele origin: germline. Affected: no.

Genome-Nilou Lab
Classification: Benign for Early-onset myopathy with fatal cardiomyopathy. Last evaluated: 2021-09-10. Review status: criteria provided, single submitter. Criteria: ACMG Guidelines, 2015. Collection method: clinical testing. Allele origin: germline. Affected: no.

Genome-Nilou Lab
Classification: Benign for Tibial muscular dystrophy. Last evaluated: 2021-09-10. Review status: criteria provided, single submitter. Criteria: ACMG Guidelines, 2015. Collection method: clinical testing. Allele origin: germline. Affected: no.

Women's Health and Genetics/Laboratory Corporation of America, LabCorp
Classification: Likely benign. Last evaluated: 2020-08-30. Review status: criteria provided, single submitter. Criteria: LabCorp Variant Classification Summary - May 2015. Collection method: clinical testing. Allele origin: germline.

Athena Diagnostics
Classification: Benign. Last evaluated: 2018-06-18. Review status: criteria provided, single submitter. Criteria: Athena Diagnostics Criteria. Collection method: clinical testing. Allele origin: germline.

Illumina Laboratory Services, Illumina
Classification: Benign for Autosomal recessive limb-girdle muscular dystrophy type 2J. Last evaluated: 2018-01-13. Review status: criteria provided, single submitter. Criteria: ICSL Variant Classification Criteria 13 December 2019. Collection method: clinical testing. Allele origin: germline.
Comment: This variant was observed in the ICSL laboratory as part of a predisposition screen in an ostensibly healthy population. It had not been previously curated by ICSL or reported in the Human Gene Mutation Database (HGMD: prior to June 1st, 2018), and was therefore a candidate for classification through an automated scoring system. Utilizing variant allele frequency, disease prevalence and penetrance estimates, and inheritance mode, an automated score was calculated to assess if this variant is too frequent to cause the disease. Based on the score and internal cut-off values, a variant classified as benign is not then subjected to further curation. The score for this variant resulted in a classification of benign for this disease.

Illumina Laboratory Services, Illumina
Classification: Benign for Early-onset myopathy with fatal cardiomyopathy. Last evaluated: 2018-01-13. Review status: criteria provided, single submitter. Criteria: ICSL Variant Classification Criteria 13 December 2019. Collection method: clinical testing. Allele origin: germline.
Comment: the same text as in the submission from Illumina Laboratory Services, Illumina above.

Illumina Laboratory Services, Illumina
Classification: Benign for Tibial muscular dystrophy. Last evaluated: 2018-01-13. Review status: criteria provided, single submitter. Criteria: ICSL Variant Classification Criteria 13 December 2019. Collection method: clinical testing. Allele origin: germline.
Comment: the same text as in the submission from Illumina Laboratory Services, Illumina above.

Illumina Laboratory Services, Illumina
Classification: Benign for Dilated cardiomyopathy 1G. Last evaluated: 2018-01-13. Review status: criteria provided, single submitter. Criteria: ICSL Variant Classification Criteria 13 December 2019. Collection method: clinical testing. Allele origin: germline.
Comment: the same text as in the submission from Illumina Laboratory Services, Illumina above.

Illumina Laboratory Services, Illumina
Classification: Benign for Myopathy, myofibrillar, 9, with early respiratory failure. Last evaluated: 2018-01-13. Review status: criteria provided, single submitter. Criteria: ICSL Variant Classification Criteria 13 December 2019. Collection method: clinical testing. Allele origin: germline.
Comment: the same text as in the submission from Illumina Laboratory Services, Illumina above.

Mayo Clinic Laboratories, Mayo Clinic
Classification: Benign. Last evaluated: 2017-08-24. Review status: criteria provided, single submitter. Criteria: ACMG Guidelines, 2015. Collection method: clinical testing. Allele origin: germline. Observed: 221 variant alleles.

Genetic Services Laboratory, University of Chicago
Classification: Benign for AllHighlyPenetrant. Last evaluated: 2013-08-15. Review status: criteria provided, single submitter. Criteria: ACMG Guidelines, 2007. Collection method: clinical testing. Allele origin: germline.

Biesecker Lab/Clinical Genomics Section, National Institutes of Health
Classification: Benign. Last evaluated: 2013-06-24. Review status: criteria provided, single submitter. Criteria: Ng et al. (Circ Cardiovasc Genet. 2013). Collection method: research. Allele origin: unknown. Observed: 64 variant alleles. Study: ClinSeq.
Comment: The study set was not selected for affection status in relation to any cancer. Pathogenicity categories were based on literature curation. See Pubmed ID:23861362 for details.

Medical sequencing

Ambry Genetics
Classification: Benign for Cardiovascular phenotype. Last evaluated: 2013-01-16. Review status: criteria provided, single submitter. Criteria: Ambry Autosomal Dominant and X-Linked criteria (10/2015). Collection method: clinical testing. Allele origin: germline. Observed: 1 variant allele.

GeneDx
Classification: Benign. Last evaluated: 2012-10-26. Review status: criteria provided, single submitter. Criteria: GeneDx Variant Classification (06012015). Collection method: clinical testing. Allele origin: germline. Affected: yes.
Comment: This variant is considered likely benign or benign based on one or more of the following criteria: it is a conservative change, it occurs at a poorly conserved position in the protein, it is predicted to be benign by multiple in silico algorithms, and/or has population frequency not consistent with disease.

Laboratory for Molecular Medicine, Mass General Brigham Personalized Medicine
Classification: Benign. Last evaluated: 2012-04-20. Review status: criteria provided, single submitter. Criteria: LMM Criteria. Collection method: clinical testing. Allele origin: germline. Observed: 180 variant alleles.
Comment: Gly2392Ser in exon 31 of TTN: This variant is not expected to have clinical sign ificance because it has been identified in 9.6% of African American chromosomes from a broad population by NHLBI Exome Sequencing Project (rs4894048).

Breakthrough Genomics
Classification: Likely benign. Review status: criteria provided, single submitter. Criteria: ACMG Guidelines, 2015. Collection method: not provided. Allele origin: germline. Inheritance: Autosomal recessive inheritance. Affected: yes.

PreventionGenetics, part of Exact Sciences
Classification: Benign. Review status: criteria provided, single submitter. Criteria: ACMG Guidelines, 2015. Collection method: clinical testing. Allele origin: germline.

Clinical Genetics DNA and cytogenetics Diagnostics Lab, Erasmus MC, Erasmus Medical Center
Classification: Benign. Review status: no assertion criteria provided. Collection method: clinical testing. Allele origin: germline. Affected: yes. Study: VKGL Data-share Consensus. Not counted in ClinVar's aggregate classification.

Clinical Genetics, Academic Medical Center
Classification: Benign. Review status: no assertion criteria provided. Collection method: clinical testing. Allele origin: germline. Affected: yes. Study: VKGL Data-share Consensus. Not counted in ClinVar's aggregate classification.